The following is an entry in ClinVar:

ClinVar aggregate classification (germline): Uncertain significance (1 of 4 stars; one submission).

Conditions:
Alzheimer disease type 1 (AD1). Also called: ALZHEIMER DISEASE, FAMILIAL, 1; ALZHEIMER DISEASE, FAMILIAL, 1, AUTOSOMAL RECESSIVE. Identifiers: MedGen C1863052, MONDO:0007088, OMIM 104300.

Allele frequency attached by ClinVar (database versions not stated): gnomAD 0.00002; gnomAD exomes 0.00003; TOPMed 0.00003; ExAC 0.00017.
gnomAD v4.1: 43 of 1,498,924 alleles (0.0029%); highest among the groups gnomAD compares: South Asian, 0.047%; no homozygotes.

Submission:

Neuberg Centre For Genomic Medicine, NCGM
Classification: Uncertain significance for Alzheimer disease type 1. Review status: criteria provided, single submitter. Criteria: ACMG Guidelines, 2015. Collection method: clinical testing. Allele origin: germline. Inheritance: Autosomal dominant inheritance. Affected: yes.
Comment: The missense variant c.2356G>A (p.Gly786Arg) in NOS3 gene has not been reported previously as a pathogenic variant nor as a benign variant, to our knowledge. The p.Gly786Arg variant is reported with the allele frequency (0.0082%) in the gnomAD Exomes and is novel (not in any individuals) in 1000 Genomes. The amino acid Gly at position 786 is changed to a Arg changing protein sequence and it might alter its composition and physico-chemical properties. In silico tools predict the variant to be tolerated. The residue is conserved across species. The amino acid change p.Gly786Arg in NOS3 is predicted as conserved by GERP++ and PhyloP across 100 vertebrates. For these reasons, this variant has been classified as Variant of Uncertain Significance (VUS).

NM_000603.5(NOS3):c.2356G>A (p.Gly786Arg)

Gene: NOS3 (nitric oxide synthase 3; plus strand). Cytogenetic location: 7q36.1.
Variant type: single nucleotide variant.
Coding change: c.2356G>A on transcript NM_000603.5 (MANE Select); coding-DNA position 2356, G replaced by A.
Protein change: p.Gly786Arg; replaces glycine 786 with arginine.
Molecular consequence: missense variant.
Genome position (GRCh38, 1-based): chr7:151,009,429, G>A. VCF-style: chr7-151009429-G-A. GRCh37 (hg19) VCF-style: chr7-150706517-G-A.
Other names: short protein forms G786R.
Identifiers: ClinVar variation 2585160 (VCV002585160.1), dbSNP rs749182113, ClinGen allele CA4567366.
Genomic context (GRCh38, chr7:151,009,429, plus strand): 5'-CCCATAAGTGCCCCTCTCCCCACCCCCAGGAGGGCCACCATCCTGGTGCGCCTGGACACC[G>A]GAGGCCAGGAGGGGCTGCAGTACCAGCCGGGGGACCACATAGGTGTCTGCCCGCCCAACC-3'
Protein context (NP_000594.2, residues 776-796): RATILVRLDT[Gly786Arg]GQEGLQYQPG